The following is an entry in ClinVar:

ClinVar aggregate classification (germline): Likely benign (1 of 4 stars; one submission).

gnomAD v4.1: 4 of 1,206,537 alleles (0.00033%); highest among the groups gnomAD compares: Non-Finnish European, 0.00045%; no homozygotes.

Submission:

CeGaT Center for Human Genetics Tuebingen
Classification: Likely benign. Last evaluated: 2025-03-01. Review status: criteria provided, single submitter. Criteria: CeGaT Center For Human Genetics Tuebingen Variant Classification Criteria Version 2. Collection method: clinical testing. Allele origin: germline. Affected: yes. Observed: 1 variant allele.
Comment: CENPI: BP4, BS2

NM_001386188.2(CENPI):c.1315C>T (p.Leu439=)

Gene: CENPI (centromere protein I; plus strand). Cytogenetic location: Xq22.1.
Variant type: single nucleotide variant.
Coding change: c.1315C>T on transcript NM_001386188.2 (MANE Select); coding-DNA position 1315, C replaced by T.
Protein change: p.Leu439=; no amino-acid change (leucine 439 retained).
Molecular consequence: synonymous variant.
Genome position (GRCh38, 1-based): chrX:101,132,217, C>T. VCF-style: chrX-101132217-C-T. GRCh37 (hg19) VCF-style: chrX-100387206-C-T.
Other names: c.1315C>T, p.Leu439= (NM_001318521.2, NM_001318523.1, NM_006733.3).
Identifiers: ClinVar variation 3778444 (VCV003778444.7).